The following is an entry in ClinVar:

ClinVar aggregate classification (germline): Conflicting classifications of pathogenicity. Review status: criteria provided, conflicting classifications (1 of 4 stars). 4 submissions from 4 submitters: Uncertain significance (2); Benign (1). 1 of the submissions does not count toward it. Last evaluated 2025-08-07.

Conditions:
DIS3L2-related disorder. Also called: DIS3L2-related condition.
Perlman syndrome (PRLMNS). Identifiers: Orphanet 2849, MedGen C0796113, MONDO:0009965, OMIM 267000.

Allele frequency attached by ClinVar (database versions not stated): gnomAD 0.00003 and 0.00022; gnomAD exomes 0.00006; ExAC 0.00008; TOPMed 0.00026.
gnomAD v4.1: 115 of 1,614,122 alleles (0.0071%); highest among the groups gnomAD compares: Non-Finnish European, 0.0069%; no homozygotes.

Submissions (4):

Labcorp Genetics (formerly Invitae), Labcorp
Classification: Benign for Perlman syndrome. Last evaluated: 2025-08-07. Review status: criteria provided, single submitter. Criteria: Invitae Variant Classification Sherloc (09022015). Collection method: clinical testing. Allele origin: germline.

CeGaT Center for Human Genetics Tuebingen
Classification: Uncertain significance. Last evaluated: 2024-06-01. Review status: criteria provided, single submitter. Criteria: CeGaT Center For Human Genetics Tuebingen Variant Classification Criteria Version 2. Collection method: clinical testing. Allele origin: germline. Affected: yes. Observed: 1 variant allele.

Fulgent Genetics
Classification: Uncertain significance for Perlman syndrome. Last evaluated: 2018-10-31. Review status: criteria provided, single submitter. Criteria: ACMG Guidelines, 2015. Collection method: clinical testing. Allele origin: unknown.

PreventionGenetics, part of Exact Sciences
Classification: Uncertain significance for DIS3L2-related condition. Last evaluated: 2024-09-24. Review status: no assertion criteria provided. Collection method: clinical testing. Allele origin: germline. Not counted in ClinVar's aggregate classification.
Comment: The DIS3L2 c.1430T>G variant is predicted to result in the amino acid substitution p.Leu477Arg. To our knowledge, this variant has not been reported in the literature. This variant is reported in 0.012% of alleles in individuals of European (Non-Finnish) descent in gnomAD. This variant has been reported as benign (1) and uncertain (2) in ClinVar. At this time, the clinical significance of this variant is uncertain due to the absence of conclusive functional and genetic evidence.

NM_152383.5(DIS3L2):c.1430T>G (p.Leu477Arg)

Gene: DIS3L2 (DIS3 like 3'-5' exoribonuclease 2; plus strand). Cytogenetic location: 2q37.1.
Variant type: single nucleotide variant.
Coding change: c.1430T>G on transcript NM_152383.5 (MANE Select); coding-DNA position 1430, T replaced by G.
Protein change: p.Leu477Arg; replaces leucine 477 with arginine.
Molecular consequence: missense variant. On other transcripts: non-coding transcript variant (2).
Genome position (GRCh38, 1-based): chr2:232,263,211, T>G. VCF-style: chr2-232263211-T-G. GRCh37 (hg19) VCF-style: chr2-233127921-T-G.
Other names: c.1430T>G, p.Leu477Arg (NM_001257281.2); short protein forms L477R.
Identifiers: ClinVar variation 241960 (VCV000241960.31), dbSNP rs201719374, ClinGen allele CA2164158.